The following is an entry in ClinVar:

NM_001844.5(COL2A1):c.3560C>G (p.Pro1187Arg)

Gene: COL2A1 (collagen type II alpha 1 chain; minus strand). Cytogenetic location: 12q13.11.
Variant type: single nucleotide variant.
Coding change: c.3560C>G on transcript NM_001844.5 (MANE Select); coding-DNA position 3560, C replaced by G.
Protein change: p.Pro1187Arg; replaces proline 1187 with arginine.
Molecular consequence: missense variant.
Genome position (GRCh38, 1-based): chr12:47,976,000, G>C on the plus strand (C>G on the coding strand, the complement: COL2A1 is on the minus strand). VCF-style: chr12-47976000-G-C. GRCh37 (hg19) VCF-style: chr12-48369783-G-C.
Other names: c.3353C>G, p.Pro1118Arg (NM_033150.3); short protein forms P1118R, P1187R.
Identifiers: ClinVar variation 2964329 (VCV002964329.3), dbSNP rs1938688448, ClinGen allele CA384537317.
Genomic context (GRCh38, chr12:47,976,000, plus strand): 5'-AGGGAAGGAGTCAGGACACTTACAGCAGGGCCGGTTTCGCCTGATCGTCCACGGGGACCA[G>C]GAGGCCCAATGGGGCCAGGGATTCCATTAGCACCATCTTTGCCAGAGGGACCGACGGGGC-3'
Protein context (NP_001835.3, residues 1177-1197): ANGIPGPIGP[Pro1187Arg]GPRGRSGETG

ClinVar aggregate classification (germline): Uncertain significance (1 of 4 stars; one submission).

Allele frequency attached by ClinVar (database versions not stated): gnomAD exomes 0.00001.
gnomAD v4.1: 14 of 1,614,074 alleles (0.00087%); highest among the groups gnomAD compares: Non-Finnish European, 0.0012%; no homozygotes.

Submission:

Labcorp Genetics (formerly Invitae), Labcorp
Classification: Uncertain significance. Last evaluated: 2025-10-23. Review status: criteria provided, single submitter. Criteria: Invitae Variant Classification Sherloc (09022015). Collection method: clinical testing. Allele origin: germline.
Comment: This sequence change replaces proline, which is neutral and non-polar, with arginine, which is basic and polar, at codon 1187 of the COL2A1 protein (p.Pro1187Arg). This variant is not present in population databases (gnomAD no frequency). This variant has not been reported in the literature in individuals affected with COL2A1-related conditions. ClinVar contains an entry for this variant (Variation ID: 2964329). Invitae Evidence Modeling of protein sequence and biophysical properties (such as structural, functional, and spatial information, amino acid conservation, physicochemical variation, residue mobility, and thermodynamic stability) has been performed for this missense variant. However, the output from this modeling did not meet the statistical confidence thresholds required to predict the impact of this variant on COL2A1 protein function. In summary, the available evidence is currently insufficient to determine the role of this variant in disease. Therefore, it has been classified as a Variant of Uncertain Significance.